The following is an entry in ClinVar:

NM_001350451.2(RBFOX3):c.476A>G (p.Asn159Ser)

Gene: RBFOX3 (RNA binding fox-1 homolog 3; minus strand). Cytogenetic location: 17q25.3.
Variant type: single nucleotide variant.
Coding change: c.476A>G on transcript NM_001350451.2 (MANE Select); coding-DNA position 476, A replaced by G.
Protein change: p.Asn159Ser; replaces asparagine 159 with serine.
Molecular consequence: missense variant. On other transcripts: intron variant (2).
Genome position (GRCh38, 1-based): chr17:79,103,193, T>C on the plus strand (A>G on the coding strand, the complement: RBFOX3 is on the minus strand). VCF-style: chr17-79103193-T-C. GRCh37 (hg19) VCF-style: chr17-77099275-T-C.
Other names: c.476A>G, p.Asn159Ser (NM_001082575.3, NM_001350453.2, NM_001385804.1 and 34 more transcripts); c.473A>G, p.Asn158Ser (NM_001385806.1, NM_001385822.1, NM_001385823.1 and 4 more transcripts); c.414+880A>G (NM_001385824.1); c.361-1549A>G (NM_001385847.1); short protein forms N159S, N158S.
Identifiers: ClinVar variation 3651509 (VCV003651509.2).

ClinVar aggregate classification (germline): Uncertain significance (1 of 4 stars; one submission).

Conditions:
Idiopathic generalized epilepsy. Also called: EIG; Generalised epilepsy. Identifiers: MedGen C0270850, MONDO:0005579, OMIM 600669.

Submission:

Labcorp Genetics (formerly Invitae), Labcorp
Classification: Uncertain significance for Idiopathic generalized epilepsy. Last evaluated: 2024-10-21. Review status: criteria provided, single submitter. Criteria: Invitae Variant Classification Sherloc (09022015). Collection method: clinical testing. Allele origin: germline.
Comment: This sequence change replaces asparagine, which is neutral and polar, with serine, which is neutral and polar, at codon 159 of the RBFOX3 protein (p.Asn159Ser). This variant is not present in population databases (gnomAD no frequency). This variant has not been reported in the literature in individuals affected with RBFOX3-related conditions. Invitae Evidence Modeling of protein sequence and biophysical properties (such as structural, functional, and spatial information, amino acid conservation, physicochemical variation, residue mobility, and thermodynamic stability) indicates that this missense variant is expected to disrupt RBFOX3 protein function with a positive predictive value of 80%. In summary, the available evidence is currently insufficient to determine the role of this variant in disease. Therefore, it has been classified as a Variant of Uncertain Significance.